The following is an entry in ClinVar:

ClinVar aggregate classification (germline): Uncertain significance (1 of 4 stars; one submission).

Conditions:
Catecholaminergic polymorphic ventricular tachycardia 1. Also called: VENTRICULAR TACHYCARDIA, STRESS-INDUCED POLYMORPHIC 1; VENTRICULAR TACHYCARDIA, CATECHOLAMINERGIC POLYMORPHIC, 1, WITH OR WITHOUT ATRIAL DYSFUNCTION AND/OR DILATED CARDIOMYOPATHY; RYR2-Related Catecholaminergic Polymorphic Ventricular Tachycardia. Identifiers: Orphanet 3286, MedGen C1631597, MONDO:0011484, OMIM 604772.

Allele frequency attached by ClinVar (database versions not stated): gnomAD 0.00001; gnomAD exomes 0.00001 and below 0.00001; TOPMed 0.00001; ExAC 0.00001.
gnomAD v4.1: 3 of 1,612,510 alleles (0.00019%); highest among the groups gnomAD compares: African/African-American, 0.0027%; no homozygotes.

Submission:

Labcorp Genetics (formerly Invitae), Labcorp
Classification: Uncertain significance for Catecholaminergic polymorphic ventricular tachycardia 1. Last evaluated: 2021-08-26. Review status: criteria provided, single submitter. Criteria: Invitae Variant Classification Sherloc (09022015). Collection method: clinical testing. Allele origin: germline.
Comment: This sequence change falls in intron 2 of the TRDN gene. It does not directly change the encoded amino acid sequence of the TRDN protein. It affects a nucleotide within the consensus splice site of the intron. This variant is present in population databases (rs747825904, ExAC 0.01%). This variant has not been reported in the literature in individuals affected with TRDN-related conditions. Variants that disrupt the consensus splice site are a relatively common cause of aberrant splicing (PMID: 17576681, 9536098). Algorithms developed to predict the effect of sequence changes on RNA splicing suggest that this variant may create or strengthen a splice site. In summary, the available evidence is currently insufficient to determine the role of this variant in disease. Therefore, it has been classified as a Variant of Uncertain Significance.

Literature cited by the submitters: PubMed 17576681; PubMed 9536098.

NM_006073.4(TRDN):c.232+6T>G

Gene: TRDN (triadin; minus strand). Cytogenetic location: 6q22.31.
Variant type: single nucleotide variant.
Coding change: c.232+6T>G on transcript NM_006073.4 (MANE Select); 6 bases into the intron after coding-DNA position 232, T replaced by G.
Molecular consequence: intron variant.
Genome position (GRCh38, 1-based): chr6:123,570,917, A>C on the plus strand (T>G on the coding strand, the complement: TRDN is on the minus strand). VCF-style: chr6-123570917-A-C. GRCh37 (hg19) VCF-style: chr6-123892062-A-C.
Other names: c.232+6T>G (NM_001251987.2, NM_001256020.2, NM_001256021.2 and 1 more transcripts).
Identifiers: ClinVar variation 1010696 (VCV001010696.7), dbSNP rs747825904, ClinGen allele CA3984443.